The following is an entry in ClinVar:

ClinVar aggregate classification (germline): Likely benign. Review status: reviewed by expert panel (3 of 4 stars). 7 submissions from 7 submitters: Likely benign (1). 6 of the submissions do not count toward it. Last evaluated 2022-07-05.

Conditions:
Inborn genetic diseases. Identifiers: MedGen C0950123, MeSH D030342.
Hereditary thrombocytopenia and hematologic cancer predisposition syndrome. Identifiers: Orphanet 71290, MedGen CN281654, MONDO:0011071.
Hereditary cancer-predisposing syndrome. Also called: Tumor predisposition; Hereditary Cancer Syndrome; Neoplastic Syndromes, Hereditary; Hereditary neoplastic syndrome. Identifiers: Orphanet 140162, MedGen C0027672, MeSH D009386, MONDO:0015356.
Acute myeloid leukemia (AML). Also called: Acute myeloid leukemia, adult; AML adult; Acute non-lymphocytic leukemia; Acute granulocytic leukemia; Leukemia, acute myelogenous, somatic; Leukemia, acute myeloid, somatic. Identifiers: Orphanet 519, MedGen C0023467, MeSH D015470, MONDO:0018874, OMIM 601626, HP:0004808. Disease mechanism: Constitutively activated FLT3.
Hereditary thrombocytopenia and hematological cancer predisposition syndrome associated with RUNX1. Also called: RUNX1 Familial Platelet Disorder with Associated Myeloid Malignancies; Familial Platelet Disorder with Propensity to Acute Myelogenous Leukemia; PLATELET DISORDER, ASPIRIN-LIKE; Familial thrombocytopenia with propensity to acute myelogenous leukemia. Identifiers: Orphanet 71290, MedGen C1832388, MeSH C563324, MONDO:0100083, OMIM 601399.

Allele frequency attached by ClinVar (database versions not stated): gnomAD 0.00007 and 0.00008; TOPMed 0.00009; ESP Exome Variant Server 0.00015.
gnomAD v4.1: 83 of 1,613,916 alleles (0.0051%); highest among the groups gnomAD compares: East Asian, 0.0045%; no homozygotes.

Submissions (7):

ClinGen Myeloid Malignancy Variant Curation Expert Panel
Classification: Likely benign for Hereditary thrombocytopenia and hematologic cancer predisposition syndrome. Last evaluated: 2022-07-05. Review status: reviewed by expert panel. Criteria: ClinGen MyeloMalig ACMG Specifications v2. Collection method: curation. Allele origin: germline. Inheritance: Autosomal dominant inheritance.
Comment: NM_001754.5(RUNX1):c.492C>T (p.Val164=) is a synonymous variant. No REVEL score because a synonymous variant and SpliceAI is ≤0.20( 0.01 Donor Loss -16bp and 0.11 Donor Gain 7bp) (BP4). Evolutionary conservation prediction algorithms predict the site as not being conserved (PhyloP 1.91014 ≤ 2.0) meeting BP7. In summary, this variant meets criteria to be classified as likely benign. ACMG/AMP criteria applied, as specified by the Myeloid Malignancy Variant Curation Expert Panel for RUNX1: BP4 and BP7.

Labcorp Genetics (formerly Invitae), Labcorp
Classification: Benign for Hereditary thrombocytopenia and hematological cancer predisposition syndrome associated with RUNX1. Last evaluated: 2026-01-06. Review status: criteria provided, single submitter. Criteria: Invitae Variant Classification Sherloc (09022015). Collection method: clinical testing. Allele origin: germline. Not counted in ClinVar's aggregate classification.

Ambry Genetics
Classification: Likely benign for Inborn genetic diseases. Last evaluated: 2025-01-02. Review status: criteria provided, single submitter. Criteria: Ambry Variant Classification Scheme 2023. Collection method: clinical testing. Allele origin: germline. Not counted in ClinVar's aggregate classification.

Blueprint Genetics
Classification: Likely benign. Last evaluated: 2024-03-22. Review status: criteria provided, single submitter. Criteria: ACMG Guidelines, 2015. Collection method: clinical testing. Allele origin: germline. Not counted in ClinVar's aggregate classification.

KCCC/NGS Laboratory, Kuwait Cancer Control Center
Classification: Likely benign for Acute myeloid leukemia. Last evaluated: 2023-07-07. Review status: criteria provided, single submitter. Criteria: ACMG Guidelines, 2015. Collection method: clinical testing. Allele origin: germline. Affected: yes. Not counted in ClinVar's aggregate classification.

Sema4
Classification: Benign for Hereditary cancer-predisposing syndrome. Last evaluated: 2020-05-29. Review status: criteria provided, single submitter. Criteria: Sema4 Curation Guidelines. Collection method: curation. Allele origin: germline. Not counted in ClinVar's aggregate classification.

Genetic Services Laboratory, University of Chicago
Classification: Uncertain significance. Last evaluated: 2019-11-26. Review status: criteria provided, single submitter. Criteria: ACMG Guidelines, 2015. Collection method: clinical testing. Allele origin: germline. Affected: no. Not counted in ClinVar's aggregate classification.

NM_001754.5(RUNX1):c.492C>T (p.Val164=)

Genes: RUNX1 (RUNX family transcription factor 1; minus strand), RUNX1-AS1 (RUNX1 antisense RNA 1; plus strand). Cytogenetic location: 21q22.12.
Variant type: single nucleotide variant.
Coding change: c.492C>T on transcript NM_001754.5 (MANE Select); coding-DNA position 492, C replaced by T.
Protein change: p.Val164=; no amino-acid change (valine 164 retained).
Molecular consequence: synonymous variant.
Genome position (GRCh38, 1-based): chr21:34,880,573, G>A on the plus strand (C>T on the coding strand, the complement: RUNX1 is on the minus strand). VCF-style: chr21-34880573-G-A. GRCh37 (hg19) VCF-style: chr21-36252870-G-A.
Other names: NM_001754.5(RUNX1):c.492C>T; p.Val164=; c.411C>T, p.Val137= (NM_001001890.3, NM_001122607.2).
Identifiers: ClinVar variation 239049 (VCV000239049.19), dbSNP rs200907577, ClinGen allele CA10014503.
Genomic context (GRCh38, chr21:34,880,573, plus strand): 5'-TGCCATGAAACGTGTTTCAAGCATAGTTTTGACAGATAACGTACCTCTTCCACTTCGACC[G>A]ACAAACCTGAGGTCATTAAATCTTGCAACCTGGTTCTTCATGGCTGCGGTAGCATTTCTC-3'
Protein context (NP_001745.2, residues 154-174): QVARFNDLRF[Val164=]GRSGRGKSFT